The following is an entry in ClinVar:

ClinVar aggregate classification (germline): Uncertain significance (1 of 4 stars; one submission).

Submission:

Labcorp Genetics (formerly Invitae), Labcorp
Classification: Uncertain significance. Last evaluated: 2025-09-10. Review status: criteria provided, single submitter. Criteria: Invitae Variant Classification Sherloc (09022015). Collection method: clinical testing. Allele origin: germline.
Comment: This sequence change creates a premature translational stop signal (p.Gln571Serfs*3) in the TNK2 gene. It is expected to result in an absent or disrupted protein product. However, the current clinical and genetic evidence is not sufficient to establish whether loss-of-function variants in TNK2 cause disease. The frequency data for this variant in the population databases is considered unreliable, as metrics indicate poor data quality at this position in the gnomAD database. This variant has not been reported in the literature in individuals affected with TNK2-related conditions. In summary, the available evidence is currently insufficient to determine the role of this variant in disease. Therefore, it has been classified as a Variant of Uncertain Significance.

NM_001382273.1(TNK2):c.1522del (p.Gln508fs)

Gene: TNK2 (tyrosine kinase non receptor 2; minus strand). Cytogenetic location: 3q29.
Variant type: Deletion.
Coding change: c.1522del on transcript NM_001382273.1 (MANE Select); coding-DNA position 1522, one base deleted (C; older notation c.1522delC).
Protein change: p.Gln508fs; shifts the reading frame from glutamine 508.
Molecular consequence: frameshift variant. On other transcripts: non-coding transcript variant (15).
Genome position (GRCh38, 1-based): chr3:195,870,135, G deleted on the plus strand (C on the coding strand, the reverse complement: TNK2 is on the minus strand); the first of 7 consecutive G bases (chr3:195,870,135-195,870,141); deleting any one gives the same sequence. VCF-style (leftmost placement, unchanged base first): chr3-195870134-TG-T. GRCh37 (hg19) VCF-style: chr3-195597005-TG-T.
Other names: c.1594del, p.Gln532fs (NM_001010938.2, NM_001382272.1, NM_001387708.1 and 1 more transcripts); c.1618del, p.Gln540fs (NM_001308046.2, NM_001382271.1, NM_001382275.1 and 1 more transcripts); c.1522del, p.Gln508fs (NM_001382274.1, NM_001386164.1, NM_001387709.1 and 12 more transcripts); short protein forms Q532fs, Q540fs, Q508fs.
Identifiers: ClinVar variation 4747192 (VCV004747192.1).